The following is an entry in ClinVar:

ClinVar aggregate classification (germline): Pathogenic (1 of 4 stars; one submission).

Conditions:
Fanconi anemia (FA). Also called: Fanconi's anemia. Identifiers: Orphanet 84, MedGen C0015625, MeSH D005199, MONDO:0019391.

Submission:

Labcorp Genetics (formerly Invitae), Labcorp
Classification: Pathogenic for Fanconi anemia. Last evaluated: 2023-07-21. Review status: criteria provided, single submitter. Criteria: Invitae Variant Classification Sherloc (09022015). Collection method: clinical testing. Allele origin: germline.
Comment: For these reasons, this variant has been classified as Pathogenic. This variant has not been reported in the literature in individuals affected with FANCL-related conditions. This variant is not present in population databases (gnomAD no frequency). This sequence change creates a premature translational stop signal (p.Tyr128*) in the FANCL gene. It is expected to result in an absent or disrupted protein product. Loss-of-function variants in FANCL are known to be pathogenic (PMID: 19405097, 23613520).

Literature cited by the submitters: PubMed 19405097; PubMed 23613520.

NM_018062.4(FANCL):c.384T>G (p.Tyr128Ter)

Gene: FANCL (FA complementation group L; minus strand). Cytogenetic location: 2p16.1.
Variant type: single nucleotide variant.
Coding change: c.384T>G on transcript NM_018062.4 (MANE Select); coding-DNA position 384, T replaced by G.
Protein change: p.Tyr128Ter; replaces tyrosine 128 with a stop codon.
Molecular consequence: nonsense.
Genome position (GRCh38, 1-based): chr2:58,204,217, A>C on the plus strand (T>G on the coding strand, the complement: FANCL is on the minus strand). VCF-style: chr2-58204217-A-C. GRCh37 (hg19) VCF-style: chr2-58431352-A-C.
Other names: c.384T>G, p.Tyr128Ter (NM_001114636.2, NM_001374615.1, NM_001410792.1); short protein forms Y128*.
Identifiers: ClinVar variation 2745747 (VCV002745747.3), dbSNP rs1245585990, ClinGen allele CA347034205.
Genomic context (GRCh38, chr2:58,204,217, plus strand): 5'-ATGCTCTCTACCAGAAGCATCTTCTGCTTTTAACTTGATGGTACTGAAGCAGGTATCCGC[A>C]TACACAAGTCTGGTGAGCAGAGGAGAATAAAAAATGATCACACCGGGGAGAGCTGGAGAG-3'